The following is an entry in ClinVar:

ClinVar aggregate classification (germline): Uncertain significance (1 of 4 stars; one submission).

Allele frequency attached by ClinVar (database versions not stated): gnomAD 0.00008; 1000 Genomes Project 0.00020; ExAC 0.00003; gnomAD exomes 0.00006; ESP Exome Variant Server 0.00016; TOPMed 0.00009; 1000 Genomes Project 30x 0.00016.
gnomAD v4.1: 94 of 1,614,098 alleles (0.0058%); highest among the groups gnomAD compares: African/African-American, 0.013%; no homozygotes.

Submission:

Labcorp Genetics (formerly Invitae), Labcorp
Classification: Uncertain significance. Last evaluated: 2024-04-25. Review status: criteria provided, single submitter. Criteria: Invitae Variant Classification Sherloc (09022015). Collection method: clinical testing. Allele origin: germline.
Comment: This sequence change replaces arginine, which is basic and polar, with histidine, which is basic and polar, at codon 1659 of the MYO5B protein (p.Arg1659His). The frequency data for this variant in the population databases is considered unreliable, as metrics indicate poor data quality at this position in the gnomAD database. This variant has not been reported in the literature in individuals affected with MYO5B-related conditions. ClinVar contains an entry for this variant (Variation ID: 1389363). Advanced modeling of protein sequence and biophysical properties (such as structural, functional, and spatial information, amino acid conservation, physicochemical variation, residue mobility, and thermodynamic stability) performed at Invitae indicates that this missense variant is not expected to disrupt MYO5B protein function with a negative predictive value of 80%. In summary, the available evidence is currently insufficient to determine the role of this variant in disease. Therefore, it has been classified as a Variant of Uncertain Significance.

NM_001080467.3(MYO5B):c.4976G>A (p.Arg1659His)

Genes: MYO5B (myosin VB; minus strand), SNHG22 (small nucleolar RNA host gene 22; plus strand). Cytogenetic location: 18q21.1.
Variant type: single nucleotide variant.
Coding change: c.4976G>A on transcript NM_001080467.3 (MANE Select); coding-DNA position 4976, G replaced by A.
Protein change: p.Arg1659His; replaces arginine 1659 with histidine.
Molecular consequence: missense variant.
Genome position (GRCh38, 1-based): chr18:49,837,679, C>T on the plus strand (G>A on the coding strand, the complement: MYO5B is on the minus strand). VCF-style: chr18-49837679-C-T. GRCh37 (hg19) VCF-style: chr18-47364049-C-T.
Other names: short protein forms R1659H.
Identifiers: ClinVar variation 1389363 (VCV001389363.5), dbSNP rs372387496, ClinGen allele CA8960176.
Genomic context (GRCh38, chr18:49,837,679, plus strand): 5'-AGGATGATCTCAGGGTCCAAGCCCTGGTCACACATGACTGTATGAAAGGCATTCATCTGG[C>T]GGATGATAGCTTCCAGGCAGTATGAGTTATCCCCATCTGCCATGCTGGAGGAGCGCTTCC-3'
Protein context (NP_001073936.1, residues 1649-1669): DNSYCLEAII[Arg1659His]QMNAFHTVMC